The following is an entry in ClinVar:

NM_006269.2(RP1):c.1492T>G (p.Tyr498Asp)

Gene: RP1 (RP1 axonemal microtubule associated; plus strand). Cytogenetic location: 8q12.1.
Variant type: single nucleotide variant.
Coding change: c.1492T>G on transcript NM_006269.2 (MANE Select); coding-DNA position 1492, T replaced by G.
Protein change: p.Tyr498Asp; replaces tyrosine 498 with aspartic acid.
Molecular consequence: missense variant. On other transcripts: intron variant (1).
Genome position (GRCh38, 1-based): chr8:54,625,374, T>G. VCF-style: chr8-54625374-T-G. GRCh37 (hg19) VCF-style: chr8-55537934-T-G.
Other names: c.787+3086T>G (NM_001375654.1); short protein forms Y498D.
Identifiers: ClinVar variation 1497079 (VCV001497079.8), dbSNP rs2129316140, ClinGen allele CA370990544.

ClinVar aggregate classification (germline): Uncertain significance (1 of 4 stars; one submission).

Submission:

Labcorp Genetics (formerly Invitae), Labcorp
Classification: Uncertain significance. Last evaluated: 2022-06-27. Review status: criteria provided, single submitter. Criteria: Invitae Variant Classification Sherloc (09022015). Collection method: clinical testing. Allele origin: germline.
Comment: In summary, the available evidence is currently insufficient to determine the role of this variant in disease. Therefore, it has been classified as a Variant of Uncertain Significance. Algorithms developed to predict the effect of missense changes on protein structure and function (SIFT, PolyPhen-2, Align-GVGD) all suggest that this variant is likely to be disruptive. This variant has not been reported in the literature in individuals affected with RP1-related conditions. This variant is not present in population databases (gnomAD no frequency). This sequence change replaces tyrosine, which is neutral and polar, with aspartic acid, which is acidic and polar, at codon 498 of the RP1 protein (p.Tyr498Asp).